The following is an entry in ClinVar:

NM_000059.4(BRCA2):c.6842-191del

Gene: BRCA2 (BRCA2 DNA repair associated; plus strand). Cytogenetic location: 13q13.1.
Variant type: Deletion.
Coding change: c.6842-191del on transcript NM_000059.4 (MANE Select); 191 bases into the intron before coding-DNA position 6842, one base deleted (A; older notation c.6842-191delA).
Molecular consequence: intron variant.
Genome position (GRCh38, 1-based): chr13:32,344,367, A deleted. VCF-style (leftmost placement, unchanged base first): chr13-32344366-CA-C. GRCh37 (hg19) VCF-style: chr13-32918503-CA-C.
Identifiers: ClinVar variation 264941 (VCV000264941.3), dbSNP rs149811837, ClinGen allele CA10588106.
Genomic context (GRCh38, chr13:32,344,366, plus strand): 5'-CTATTTAGGATTTATCCTGTTTAGACCCTGTTAAATAGTGGTGTTTTAAAGTGGTCAAAA[CA>C]GAACAAAAATGTAATTGACATTGAAGACTGACTTTACTCTTTCAAACATTAGGTCACTAT-3'

ClinVar aggregate classification (germline): Benign. Review status: reviewed by expert panel (3 of 4 stars). 2 submissions from 2 submitters: Benign (1). 1 of the submissions does not count toward it. Last evaluated 2016-09-28.

Conditions:
Breast-ovarian cancer, familial, susceptibility to, 2 (BROVCA2). Also called: BRCA2 Hereditary Breast and Ovarian Cancer. Identifiers: Orphanet 145, MedGen C2675520, MONDO:0012933, OMIM 612555. Disease mechanism: loss of function.

Allele frequency attached by ClinVar (database versions not stated): gnomAD 0.00331 and 0.00345; TOPMed 0.00410; 1000 Genomes Project 0.00559; 1000 Genomes Project 30x 0.00609.

Submissions (2):

Evidence-based Network for the Interpretation of Germline Mutant Alleles (ENIGMA)
Classification: Benign for Breast-ovarian cancer, familial, susceptibility to, 2. Last evaluated: 2016-09-28. Review status: reviewed by expert panel. Criteria: ENIGMA BRCA1/2 Classification Criteria (2015). Collection method: curation. Allele origin: germline.
Comment: Class 1 not pathogenic based on frequency >1% in an outbred sampleset. Frequency 0.0204 (African), derived from 1000 genomes (2013-05-02).

GeneDx
Classification: Likely benign. Last evaluated: 2019-08-17. Review status: criteria provided, single submitter. Criteria: GeneDx Variant Classification Process June 2021. Collection method: clinical testing. Allele origin: germline. Affected: yes. Not counted in ClinVar's aggregate classification.